The following is an entry in ClinVar:

ClinVar aggregate classification (germline): Likely benign (1 of 4 stars; one submission).

Allele frequency attached by ClinVar (database versions not stated): gnomAD exomes 0.00048.

Submission:

CeGaT Center for Human Genetics Tuebingen
Classification: Likely benign. Last evaluated: 2023-01-01. Review status: criteria provided, single submitter. Criteria: CeGaT Center For Human Genetics Tuebingen Variant Classification Criteria Version 2. Collection method: clinical testing. Allele origin: germline. Affected: yes. Observed: 1 variant allele.
Comment: GOLGA8Q: BP4, BP7

NM_001355476.2(GOLGA8Q):c.1671C>G (p.Pro557=)

Gene: GOLGA8Q (golgin A8 family member Q). Cytogenetic location: 15q13.2.
Variant type: single nucleotide variant.
Coding change: c.1671C>G on transcript NM_001355476.2 (MANE Select); coding-DNA position 1671, C replaced by G.
Protein change: p.Pro557=; no amino-acid change (proline 557 retained).
Molecular consequence: synonymous variant.
Genome position (GRCh38, 1-based): chr15:30,562,188, C>G. VCF-style: chr15-30562188-C-G. GRCh37 (hg19) VCF-style: chr15-30854391-C-G.
Identifiers: ClinVar variation 2645107 (VCV002645107.24), dbSNP rs200069148, ClinGen allele CA7448940.